The following is an entry in ClinVar:

NM_000092.5(COL4A4):c.704G>A (p.Gly235Asp)

Gene: COL4A4 (collagen type IV alpha 4 chain; minus strand). Cytogenetic location: 2q36.3.
Variant type: single nucleotide variant.
Coding change: c.704G>A on transcript NM_000092.5 (MANE Select); coding-DNA position 704, G replaced by A.
Protein change: p.Gly235Asp; replaces glycine 235 with aspartic acid.
Molecular consequence: missense variant.
Genome position (GRCh38, 1-based): chr2:227,108,612, C>T on the plus strand (G>A on the coding strand, the complement: COL4A4 is on the minus strand). VCF-style: chr2-227108612-C-T. GRCh37 (hg19) VCF-style: chr2-227973328-C-T.
Other names: short protein forms G235D.
Identifiers: ClinVar variation 3585922 (VCV003585922.2).
Genomic context (GRCh38, chr2:227,108,612, plus strand): 5'-TGCTCCTCAGAGCAAGAGGGAATTCTTACCGGGTCTCCCATTTGCCCCTTTACTCCCACA[C>T]CGGGATTTCCCTGAGAAAGAAATGAAAAAGAATCTAATTGCTTTTGAATTTTAAAAAAGT-3'
Protein context (NP_000083.3, residues 225-245): PGRPGLKGNP[Gly235Asp]VGVKGQMGDP

ClinVar aggregate classification (germline): Uncertain significance. Review status: criteria provided, multiple submitters, no conflicts (2 of 4 stars). 2 submissions from 2 submitters: Uncertain significance (2). Last evaluated 2025-12-30.

Conditions:
Autosomal recessive Alport syndrome (ATS2). Also called: COL4A4 Alport Syndrome and Thin Basement Membrane Nephropathy; ALPORT SYNDROME 2, AUTOSOMAL RECESSIVE; Alport syndrome type 2; COL4A3-Related Nephropathy. Identifiers: Orphanet 63, Orphanet 88919, MedGen C4746745, MONDO:0008762, OMIM 203780.
Hematuria, benign familial, 1 (BFH1). Also called: THIN MEMBRANE NEPHROPATHY. Identifiers: MedGen CN376803, MONDO:0007709, OMIM 141200.
Alport syndrome. Also called: Hemorrhagic familial nephritis; Hemorrhagic hereditary nephritis; Congenital hereditary hematuria. Identifiers: Orphanet 63, MedGen C1567741, MONDO:0018965.

gnomAD v4.1: 1 of 1,614,046 alleles (0.000062%); highest among the groups gnomAD compares: Non-Finnish European, 0.000085%; no homozygotes.

Submissions (2):

Myriad Genetics, Inc.
Classification: Uncertain significance for Alport syndrome. Last evaluated: 2025-12-30. Review status: criteria provided, single submitter. Criteria: Myriad Autosomal Dominant, Autosomal Recessive and X-Linked Classification Criteria (2023). Collection method: clinical testing. Allele origin: unknown.
Comment: NM_000092.4(COL4A4):c.704G>A(G235D) is a missense variant classified as a variant of uncertain significance in the context of Alport syndrome, COL4A4-related. G235D has not been observed in cases with relevant disease. Relevant functional assessments of this variant are not available in the literature. G235D has not been observed in referenced population frequency databases. In summary, there is insufficient evidence to classify NM_000092.4(COL4A4):c.704G>A(G235D) as pathogenic or benign. Please note: this variant was assessed in the context of healthy population screening.

Fulgent Genetics
Classification: Uncertain significance for Hematuria, benign familial, 1; Autosomal recessive Alport syndrome. Last evaluated: 2024-04-27. Review status: criteria provided, single submitter. Criteria: ACMG Guidelines, 2015. Collection method: clinical testing. Allele origin: germline.